The following is an entry in ClinVar:

ClinVar aggregate classification (germline): Uncertain significance. Review status: criteria provided, multiple submitters, no conflicts (2 of 4 stars). 7 submissions from 7 submitters: Uncertain significance (7). Last evaluated 2025-12-26.

Conditions:
Monogenic diabetes. Identifiers: Orphanet 183625, MedGen C3888631, MONDO:0015967.
Inborn genetic diseases. Identifiers: MedGen C0950123, MeSH D030342.
Wolfram syndrome 1 (WFS1). Identifiers: Orphanet 3463, MedGen C4551693, MONDO:0009101, OMIM 222300.
Autosomal dominant nonsyndromic hearing loss 6 (LFSNHL). Also called: DEAFNESS, AUTOSOMAL DOMINANT 14; DEAFNESS, AUTOSOMAL DOMINANT 38; DEAFNESS, AUTOSOMAL DOMINANT 6; Autosomal dominant nonsyndromic deafness 6. Identifiers: Orphanet 90635, MedGen C1833021, MONDO:0010963, OMIM 600965.
Type 2 diabetes mellitus. Also called: Type II diabetes mellitus. Identifiers: MedGen C0011860, MeSH D003924, MONDO:0005148, OMIM 125853, HP:0005978.
Cataract 41 (CTRCT41). Also called: CATARACT 41, CONGENITAL NUCLEAR TYPE. Identifiers: Orphanet 91492, Orphanet 98991, Orphanet 98992, Orphanet 98995, MedGen C3805412, MONDO:0007287, OMIM 116400.
Wolfram-like syndrome. Also called: HEARING LOSS, PROGRESSIVE, WITH OPTIC ATROPHY AND/OR IMPAIRED GLUCOSE REGULATION. Identifiers: Orphanet 411590, MedGen C3280358, MONDO:0013673, OMIM 614296.

Allele frequency attached by ClinVar (database versions not stated): ExAC 0.00010; gnomAD exomes 0.00010; ESP Exome Variant Server 0.00015; gnomAD 0.00033 and 0.00034; TOPMed 0.00038; 1000 Genomes Project 30x 0.00047; 1000 Genomes Project 0.00060.
gnomAD v4.1: 92 of 1,612,486 alleles (0.0057%); highest among the groups gnomAD compares: African/African-American, 0.095%; no homozygotes.

Submissions (7):

Labcorp Genetics (formerly Invitae), Labcorp
Classification: Uncertain significance. Last evaluated: 2025-12-26. Review status: criteria provided, single submitter. Criteria: Invitae Variant Classification Sherloc (09022015). Collection method: clinical testing. Allele origin: germline.
Comment: This sequence change replaces cysteine, which is neutral and slightly polar, with tyrosine, which is neutral and polar, at codon 537 of the WFS1 protein (p.Cys537Tyr). This variant is present in population databases (rs199910987, gnomAD 0.1%). This missense change has been observed in individual(s) with clinical features of WFS1-related conditions (PMID: 33046911). ClinVar contains an entry for this variant (Variation ID: 215390). Invitae Evidence Modeling of protein sequence and biophysical properties (such as structural, functional, and spatial information, amino acid conservation, physicochemical variation, residue mobility, and thermodynamic stability) indicates that this missense variant is expected to disrupt WFS1 protein function with a positive predictive value of 95%. In summary, the available evidence is currently insufficient to determine the role of this variant in disease. Therefore, it has been classified as a Variant of Uncertain Significance.

GeneDx
Classification: Uncertain significance. Last evaluated: 2024-10-02. Review status: criteria provided, single submitter. Criteria: GeneDx Variant Classification Process June 2021. Collection method: clinical testing. Allele origin: germline. Affected: yes.
Comment: Has not been previously published as pathogenic or benign in association with a WFS1-related disorder to our knowledge; it has been published as heterozygous in patients with diabetes in a study examining genetic causes of diabetes (PMID: 33046911); In silico analysis supports that this missense variant has a deleterious effect on protein structure/function; This variant is associated with the following publications: (PMID: 31589614, 10521293, 36208030, 36147510, 33046911)

ARUP Laboratories, Molecular Genetics and Genomics, ARUP Laboratories
Classification: Uncertain significance. Last evaluated: 2024-08-06. Review status: criteria provided, single submitter. Criteria: ARUP Molecular Germline Variant Investigation Process 2024. Collection method: clinical testing. Allele origin: germline.
Comment: The WFS1 c.1610G>A; p.Cys537Tyr variant (rs199910987, ClinVar Variation ID: 215390) is reported in the literature in individuals affected with diabetes (Bonnefond 2020). This variant is found in the African/African-American population with an allele frequency of 0.096% (24/24,960 alleles) in the Genome Aggregation Database (v2.1.1). Computational analyses predict that this variant is deleterious (REVEL: 0.939). While the high population frequency suggests that this is likely a benign variant, given the limited clinical data and lack functional data, the significance of this variant is uncertain at this time. References: Bonnefond A et al. Pathogenic variants in actionable MODY genes are associated with type 2 diabetes. Nat Metab. 2020 Oct;2(10):1126-1134. PMID: 33046911.

Fulgent Genetics
Classification: Uncertain significance for Cataract 41; Type 2 diabetes mellitus; Wolfram syndrome 1; Autosomal dominant nonsyndromic hearing loss 6; Wolfram-like syndrome. Last evaluated: 2024-03-08. Review status: criteria provided, single submitter. Criteria: ACMG Guidelines, 2015. Collection method: clinical testing. Allele origin: germline.

Blueprint Genetics
Classification: Uncertain significance. Last evaluated: 2023-07-10. Review status: criteria provided, single submitter. Criteria: ACMG Guidelines, 2015. Collection method: clinical testing. Allele origin: germline.

Ambry Genetics
Classification: Uncertain significance for Inborn genetic diseases. Last evaluated: 2022-08-17. Review status: criteria provided, single submitter. Criteria: Ambry Variant Classification Scheme 2023. Collection method: clinical testing. Allele origin: germline.
Comment: Unlikely to be causative of autosomal dominant WFS1-related Wolfram syndrome (AD) Based on insufficient or conflicting evidence, the clinical significance of this alteration remains unclear.

Personalized Diabetes Medicine Program, University of Maryland School of Medicine
Classification: Uncertain significance for Monogenic diabetes. Last evaluated: 2018-03-27. Review status: criteria provided, single submitter. Criteria: ACMG Guidelines, 2015. Collection method: research. Allele origin: unknown. Observed: 1 variant allele, 1 heterozygote.
Comment: ACMG criteria: PP3 (10 predictors, REVEL=0.939), PM1 (transmembrane domain PMID:10521293)=VUS

Literature cited by the submitters: PubMed 33046911 (cited by Labcorp Genetics (formerly Invitae), Labcorp); PubMed 10521293 (cited by Personalized Diabetes Medicine Program, University of Maryland School of Medicine).

NM_006005.3(WFS1):c.1610G>A (p.Cys537Tyr)

Gene: WFS1 (wolframin ER transmembrane glycoprotein; plus strand). Cytogenetic location: 4p16.1.
Variant type: single nucleotide variant.
Coding change: c.1610G>A on transcript NM_006005.3 (MANE Select); coding-DNA position 1610, G replaced by A.
Protein change: p.Cys537Tyr; replaces cysteine 537 with tyrosine.
Molecular consequence: missense variant.
Genome position (GRCh38, 1-based): chr4:6,301,405, G>A. VCF-style: chr4-6301405-G-A. GRCh37 (hg19) VCF-style: chr4-6303132-G-A.
Other names: c.1610G>A, p.Cys537Tyr (NM_001145853.1); short protein forms C537Y.
Identifiers: ClinVar variation 215390 (VCV000215390.20), dbSNP rs199910987, ClinGen allele CA324604.